The following is an entry in ClinVar:

NM_004086.3(COCH):c.1436A>T (p.Tyr479Phe)

Genes: COCH (cochlin; plus strand), COCH-AS1 (COCH antisense RNA 1; minus strand). Cytogenetic location: 14q12.
Variant type: single nucleotide variant.
Coding change: c.1436A>T on transcript NM_004086.3 (MANE Select); coding-DNA position 1436, A replaced by T.
Protein change: p.Tyr479Phe; replaces tyrosine 479 with phenylalanine.
Molecular consequence: missense variant. On other transcripts: non-coding transcript variant (1).
Genome position (GRCh38, 1-based): chr14:30,886,271, A>T. VCF-style: chr14-30886271-A-T. GRCh37 (hg19) VCF-style: chr14-31355477-A-T.
Other names: c.1436A>T, p.Tyr479Phe (NM_001135058.2); c.1631A>T, p.Tyr544Phe (NM_001347720.2); c.1436A>T (NM_001135058.1); short protein forms Y479F, Y544F.
Identifiers: ClinVar variation 881628 (VCV000881628.15), dbSNP rs757904271, ClinGen allele CA7143315.

ClinVar aggregate classification (germline): Conflicting classifications of pathogenicity. Review status: criteria provided, conflicting classifications (1 of 4 stars). 4 submissions from 4 submitters: Uncertain significance (2); Likely benign (2). Last evaluated 2026-04-08.

Conditions:
COCH-related disorder. Also called: COCH-related condition.
Autosomal dominant nonsyndromic hearing loss 9. Identifiers: Orphanet 90635, MedGen C1832425, MONDO:0011058, OMIM 601369.

Allele frequency attached by ClinVar (database versions not stated): gnomAD 0.00003; TOPMed 0.00007; ExAC 0.00017; gnomAD exomes 0.00023.
gnomAD v4.1: 70 of 1,614,050 alleles (0.0043%); highest among the groups gnomAD compares: Admixed American, 0.11%; no homozygotes.

Submissions (4):

PreventionGenetics, part of Exact Sciences
Classification: Uncertain significance for COCH-related condition. Last evaluated: 2026-04-08. Review status: criteria provided, single submitter. Criteria: ACMG Guidelines, 2015. Collection method: clinical testing. Allele origin: germline.
Comment: The COCH c.1436A>T variant is predicted to result in the amino acid substitution p.Tyr479Phe. To our knowledge, this variant has not been reported in the literature. This variant is reported in 0.17% of alleles in individuals of Latino descent in gnomAD. Although we suspect that this variant may be benign, at this time, the clinical significance of this variant is uncertain due to the absence of conclusive functional and genetic evidence.

Labcorp Genetics (formerly Invitae), Labcorp
Classification: Uncertain significance. Last evaluated: 2025-10-27. Review status: criteria provided, single submitter. Criteria: Invitae Variant Classification Sherloc (09022015). Collection method: clinical testing. Allele origin: germline.
Comment: This sequence change replaces tyrosine, which is neutral and polar, with phenylalanine, which is neutral and non-polar, at codon 479 of the COCH protein (p.Tyr479Phe). This variant is present in population databases (rs757904271, gnomAD 0.2%). This variant has not been reported in the literature in individuals affected with COCH-related conditions. ClinVar contains an entry for this variant (Variation ID: 881628). Invitae Evidence Modeling of protein sequence and biophysical properties (such as structural, functional, and spatial information, amino acid conservation, physicochemical variation, residue mobility, and thermodynamic stability) has been performed for this missense variant. However, the output from this modeling did not meet the statistical confidence thresholds required to predict the impact of this variant on COCH protein function. In summary, the available evidence is currently insufficient to determine the role of this variant in disease. Therefore, it has been classified as a Variant of Uncertain Significance.

GeneDx
Classification: Likely benign. Last evaluated: 2021-03-01. Review status: criteria provided, single submitter. Criteria: GeneDx Variant Classification Process June 2021. Collection method: clinical testing. Allele origin: germline. Affected: yes.

Illumina Laboratory Services, Illumina
Classification: Likely benign for Autosomal dominant nonsyndromic hearing loss 9. Last evaluated: 2018-01-13. Review status: criteria provided, single submitter. Criteria: ICSL Variant Classification Criteria 13 December 2019. Collection method: clinical testing. Allele origin: germline.
Comment: This variant was observed in the ICSL laboratory as part of a predisposition screen in an ostensibly healthy population. It had not been previously curated by ICSL or reported in the Human Gene Mutation Database (HGMD: prior to June 1st, 2018), and was therefore a candidate for classification through an automated scoring system. Utilizing variant allele frequency, disease prevalence and penetrance estimates, and inheritance mode, an automated score was calculated to assess if this variant is too frequent to cause the disease. Based on the score and internal cut-off values, a variant classified as likely benign is not then subjected to further curation. The score for this variant resulted in a classification of likely benign for this disease.